The following is an entry in ClinVar:

ClinVar aggregate classification (germline): Benign. Review status: criteria provided, multiple submitters, no conflicts (2 of 4 stars). 3 submissions from 3 submitters: Benign (2). 1 of the submissions does not count toward it. Last evaluated 2018-03-05.

Conditions:
KLF7-related disorder.

Allele frequency attached by ClinVar (database versions not stated): 1000 Genomes Project 0.00100; 1000 Genomes Project 30x 0.00109; TOPMed 0.00289; ExAC 0.00339; ESP Exome Variant Server 0.00361; gnomAD exomes 0.00377 and 0.00502; gnomAD 0.00386 and 0.00399.
gnomAD v4.1: 7,841 of 1,614,136 alleles (0.49%); highest among the groups gnomAD compares: Non-Finnish European, 0.54%; 28 homozygotes.

Submissions (3):

Labcorp Genetics (formerly Invitae), Labcorp
Classification: Benign. Last evaluated: 2018-03-05. Review status: criteria provided, single submitter. Criteria: Invitae Variant Classification Sherloc (09022015). Collection method: clinical testing. Allele origin: germline.

Breakthrough Genomics
Classification: Benign. Review status: criteria provided, single submitter. Criteria: ACMG Guidelines, 2015. Collection method: not provided. Allele origin: germline. Inheritance: Unknown mechanism. Affected: yes.

PreventionGenetics, part of Exact Sciences
Classification: Likely benign for KLF7-related condition. Last evaluated: 2019-03-14. Review status: no assertion criteria provided. Collection method: clinical testing. Allele origin: germline. Not counted in ClinVar's aggregate classification.
Comment: This variant is classified as likely benign based on ACMG/AMP sequence variant interpretation guidelines (Richards et al. 2015 PMID: 25741868, with internal and published modifications).

NM_003709.4(KLF7):c.246C>T (p.Leu82=)

Gene: KLF7 (KLF transcription factor 7; minus strand). Cytogenetic location: 2q33.3.
Variant type: single nucleotide variant.
Coding change: c.246C>T on transcript NM_003709.4 (MANE Select); coding-DNA position 246, C replaced by T.
Protein change: p.Leu82=; no amino-acid change (leucine 82 retained).
Molecular consequence: synonymous variant.
Genome position (GRCh38, 1-based): chr2:207,124,261, G>A on the plus strand (C>T on the coding strand, the complement: KLF7 is on the minus strand). VCF-style: chr2-207124261-G-A. GRCh37 (hg19) VCF-style: chr2-207988985-G-A.
Other names: c.246C>T, p.Leu82= (NM_001270942.1); c.147C>T, p.Leu49= (NM_001270943.2); c.162C>T, p.Leu54= (NM_001270944.2).
Identifiers: ClinVar variation 789158 (VCV000789158.6), dbSNP rs139952837, ClinGen allele CA2075893.